The following is an entry in ClinVar:

ClinVar aggregate classification (germline): Uncertain significance (1 of 4 stars; one submission).

Conditions:
Hereditary cancer-predisposing syndrome. Also called: Neoplastic Syndromes, Hereditary; Tumor predisposition; Hereditary neoplastic syndrome; Hereditary Cancer Syndrome. Identifiers: Orphanet 140162, MedGen C0027672, MeSH D009386, MONDO:0015356.

Submission:

Ambry Genetics
Classification: Uncertain significance for Hereditary cancer-predisposing syndrome. Last evaluated: 2022-12-08. Review status: criteria provided, single submitter. Criteria: Ambry Variant Classification Scheme 2023. Collection method: clinical testing. Allele origin: germline.
Comment: The p.D277N variant (also known as c.829G>A), located in coding exon 7 of the SUFU gene, results from a G to A substitution at nucleotide position 829. The aspartic acid at codon 277 is replaced by asparagine, an amino acid with highly similar properties. This amino acid position is conserved. In addition, this alteration is predicted to be tolerated by in silico analysis. Since supporting evidence is limited at this time, the clinical significance of this alteration remains unclear.

NM_016169.4(SUFU):c.829G>A (p.Asp277Asn)

Gene: SUFU (SUFU negative regulator of hedgehog signaling; plus strand). Cytogenetic location: 10q24.32.
Variant type: single nucleotide variant.
Coding change: c.829G>A on transcript NM_016169.4 (MANE Select); coding-DNA position 829, G replaced by A.
Protein change: p.Asp277Asn; replaces aspartic acid 277 with asparagine.
Molecular consequence: missense variant.
Genome position (GRCh38, 1-based): chr10:102,597,212, G>A. VCF-style: chr10-102597212-G-A. GRCh37 (hg19) VCF-style: chr10-104356969-G-A.
Other names: c.829G>A, p.Asp277Asn (NM_001178133.2); short protein forms D277N.
Identifiers: ClinVar variation 2452605 (VCV002452605.2), dbSNP rs2545094371, ClinGen allele CA377910516.